The following is an entry in ClinVar:

ClinVar aggregate classification (germline): Uncertain significance. Review status: criteria provided, multiple submitters, no conflicts (2 of 4 stars). 4 submissions from 4 submitters: Uncertain significance (4). Last evaluated 2025-02-26.

Conditions:
Hereditary cancer-predisposing syndrome. Also called: Neoplastic Syndromes, Hereditary; Hereditary neoplastic syndrome; Tumor predisposition; Hereditary Cancer Syndrome. Identifiers: Orphanet 140162, MedGen C0027672, MeSH D009386, MONDO:0015356.
Isolated focal cortical dysplasia type II (FCORD2). Also called: CORTICAL DYSPLASIA OF TAYLOR; Focal cortical dysplasia type II. Identifiers: Orphanet 268994, MedGen C1846385, MONDO:0011818, OMIM 607341, HP:0032051.
Tuberous sclerosis 1 (TSC1). Identifiers: Orphanet 805, MedGen C1854465, MONDO:0008612, OMIM 191100.
Lymphangiomyomatosis (LAM). Also called: Lymphangioleiomyomatosis; Lymphangioleiomyomatosis, somatic. Identifiers: Orphanet 538, MedGen C0751674, MONDO:0011705, OMIM 606690.

Allele frequency attached by ClinVar (database versions not stated): gnomAD 0.00001.
gnomAD v4.1: 1 of 1,614,092 alleles (0.000062%); highest among the groups gnomAD compares: African/African-American, 0.0013%; no homozygotes.

Submissions (4):

Ambry Genetics
Classification: Uncertain significance for Hereditary cancer-predisposing syndrome. Last evaluated: 2025-02-26. Review status: criteria provided, single submitter. Criteria: Ambry Variant Classification Scheme 2023. Collection method: clinical testing. Allele origin: germline.
Comment: The p.K104N variant (also known as c.312G>T), located in coding exon 3 of the TSC1 gene, results from a G to T substitution at nucleotide position 312. The lysine at codon 104 is replaced by asparagine, an amino acid with similar properties. This amino acid position is well conserved in available vertebrate species. In addition, the in silico prediction for this alteration is inconclusive. Based on the available evidence, the clinical significance of this variant remains unclear.

Labcorp Genetics (formerly Invitae), Labcorp
Classification: Uncertain significance for Tuberous sclerosis 1. Last evaluated: 2024-08-06. Review status: criteria provided, single submitter. Criteria: Invitae Variant Classification Sherloc (09022015). Collection method: clinical testing. Allele origin: germline.
Comment: This sequence change replaces lysine, which is basic and polar, with asparagine, which is neutral and polar, at codon 104 of the TSC1 protein (p.Lys104Asn). This variant is not present in population databases (gnomAD no frequency). This variant has not been reported in the literature in individuals affected with TSC1-related conditions. ClinVar contains an entry for this variant (Variation ID: 534405). Advanced modeling of protein sequence and biophysical properties (such as structural, functional, and spatial information, amino acid conservation, physicochemical variation, residue mobility, and thermodynamic stability) performed at Invitae indicates that this missense variant is not expected to disrupt TSC1 protein function with a negative predictive value of 95%. In summary, the available evidence is currently insufficient to determine the role of this variant in disease. Therefore, it has been classified as a Variant of Uncertain Significance.

Fulgent Genetics
Classification: Uncertain significance for Tuberous sclerosis 1; Lymphangiomyomatosis; Isolated focal cortical dysplasia type II. Last evaluated: 2024-01-23. Review status: criteria provided, single submitter. Criteria: ACMG Guidelines, 2015. Collection method: clinical testing. Allele origin: germline.

Baylor Genetics
Classification: Uncertain significance for Isolated focal cortical dysplasia type II. Last evaluated: 2023-12-30. Review status: criteria provided, single submitter. Criteria: ACMG Guidelines, 2015. Collection method: clinical testing. Allele origin: unknown.

NM_000368.5(TSC1):c.312G>T (p.Lys104Asn)

Gene: TSC1 (TSC complex subunit 1; minus strand). Cytogenetic location: 9q34.13.
Variant type: single nucleotide variant.
Coding change: c.312G>T on transcript NM_000368.5 (MANE Select); coding-DNA position 312, G replaced by T.
Protein change: p.Lys104Asn; replaces lysine 104 with asparagine.
Molecular consequence: missense variant. On other transcripts: 5 prime UTR variant (1), intron variant (1).
Genome position (GRCh38, 1-based): chr9:132,925,638, C>A on the plus strand (G>T on the coding strand, the complement: TSC1 is on the minus strand). VCF-style: chr9-132925638-C-A. GRCh37 (hg19) VCF-style: chr9-135801025-C-A.
Other names: c.312G>T, p.Lys104Asn (NM_001162426.2); c.-52G>T (NM_001362177.2); c.210+1563G>T (NM_001162427.2); short protein forms K104N.
Identifiers: ClinVar variation 534405 (VCV000534405.13), dbSNP rs1554820281, ClinGen allele CA375374482.